The following is an entry in ClinVar:

ClinVar aggregate classification (germline): Uncertain significance. Review status: criteria provided, multiple submitters, no conflicts (2 of 4 stars). 2 submissions from 2 submitters: Uncertain significance (2). Last evaluated 2025-04-14.

Conditions:
Idiopathic generalized epilepsy. Also called: Generalised epilepsy; EIG. Identifiers: MedGen C0270850, MONDO:0005579, OMIM 600669.
Inborn genetic diseases. Identifiers: MedGen C0950123, MeSH D030342.

Submissions (2):

Labcorp Genetics (formerly Invitae), Labcorp
Classification: Uncertain significance for Idiopathic generalized epilepsy. Last evaluated: 2025-04-14. Review status: criteria provided, single submitter. Criteria: Invitae Variant Classification Sherloc (09022015). Collection method: clinical testing. Allele origin: germline.
Comment: This sequence change replaces alanine, which is neutral and non-polar, with threonine, which is neutral and polar, at codon 245 of the RBFOX1 protein (p.Ala245Thr). This variant is not present in population databases (gnomAD no frequency). This variant has not been reported in the literature in individuals affected with RBFOX1-related conditions. Invitae Evidence Modeling of protein sequence and biophysical properties (such as structural, functional, and spatial information, amino acid conservation, physicochemical variation, residue mobility, and thermodynamic stability) indicates that this missense variant is not expected to disrupt RBFOX1 protein function with a negative predictive value of 80%. In summary, the available evidence is currently insufficient to determine the role of this variant in disease. Therefore, it has been classified as a Variant of Uncertain Significance.

Ambry Genetics
Classification: Uncertain significance for Inborn genetic diseases. Last evaluated: 2025-02-12. Review status: criteria provided, single submitter. Criteria: Ambry Variant Classification Scheme 2023. Collection method: clinical testing. Allele origin: germline.

NM_018723.4(RBFOX1):c.673G>A (p.Ala225Thr)

Gene: RBFOX1 (RNA binding fox-1 homolog 1; plus strand). Cytogenetic location: 16p13.3.
Variant type: single nucleotide variant.
Coding change: c.673G>A on transcript NM_018723.4 (MANE Select); coding-DNA position 673, G replaced by A.
Protein change: p.Ala225Thr; replaces alanine 225 with threonine.
Molecular consequence: missense variant.
Genome position (GRCh38, 1-based): chr16:7,607,335, G>A. VCF-style: chr16-7607335-G-A. GRCh37 (hg19) VCF-style: chr16-7657337-G-A.
Other names: c.679G>A, p.Ala227Thr (NM_001415902.1, NM_001415911.1, NM_001415917.1); c.748G>A, p.Ala250Thr (NM_001415903.1, NM_001415890.1, NM_001415893.1 and 3 more transcripts); c.733G>A, p.Ala245Thr (NM_001415904.1, NM_001415906.1, NM_001415896.1 and 4 more transcripts); c.655G>A, p.Ala219Thr (NM_001415905.1); c.802G>A, p.Ala268Thr (NM_001415907.1, NM_001308117.1, NM_001411047.1 and 3 more transcripts); c.709G>A, p.Ala237Thr (NM_001415908.1, NM_001415914.1); c.781G>A, p.Ala261Thr (NM_001415909.1, NM_001415889.1, NM_001415892.1 and 3 more transcripts); c.688G>A, p.Ala230Thr (NM_001415910.1, NM_001415912.1); and 3 more; short protein forms A225T, A245T, A250T, A237T, A261T, A424T, A219T, A227T.
Identifiers: ClinVar variation 3787386 (VCV003787386.2).